The following is an entry in ClinVar:

NM_001142800.2(EYS):c.9381T>G (p.Ile3127Met)

Genes: EYS (eyes shut homolog; minus strand), PHF3 (PHD finger protein 3; plus strand). Cytogenetic location: 6q12.
Variant type: single nucleotide variant.
Coding change: c.9381T>G on transcript NM_001142800.2 (MANE Select); coding-DNA position 9381, T replaced by G.
Protein change: p.Ile3127Met; replaces isoleucine 3127 with methionine.
Molecular consequence: missense variant. On other transcripts: 3 prime UTR variant (5).
Genome position (GRCh38, 1-based): chr6:63,720,650, A>C on the plus strand (T>G on the coding strand, the complement: EYS is on the minus strand). VCF-style: chr6-63720650-A-C. GRCh37 (hg19) VCF-style: chr6-64430546-A-C.
Other names: c.*6942A>C (NM_001290259.2, NM_001370348.2, NM_001370349.2 and 2 more transcripts); c.9444T>G, p.Ile3148Met (NM_001292009.2); short protein forms I3127M, I3148M.
Identifiers: ClinVar variation 2147182 (VCV002147182.1), dbSNP rs762511752, ClinGen allele CA3876668.

ClinVar aggregate classification (germline): Uncertain significance (1 of 4 stars; one submission).

Allele frequency attached by ClinVar (database versions not stated): gnomAD exomes 0.00001; TOPMed 0.00002; gnomAD 0.00003; ExAC 0.00021.
gnomAD v4.1: 15 of 1,531,968 alleles (0.00098%); highest among the groups gnomAD compares: Non-Finnish European, 0.00053%; no homozygotes.

Submission:

Labcorp Genetics (formerly Invitae), Labcorp
Classification: Uncertain significance. Last evaluated: 2022-06-10. Review status: criteria provided, single submitter. Criteria: Invitae Variant Classification Sherloc (09022015). Collection method: clinical testing. Allele origin: germline.
Comment: This sequence change replaces isoleucine, which is neutral and non-polar, with methionine, which is neutral and non-polar, at codon 3127 of the EYS protein (p.Ile3127Met). This variant is present in population databases (rs762511752, gnomAD 0.03%). This variant has not been reported in the literature in individuals affected with EYS-related conditions. Algorithms developed to predict the effect of missense changes on protein structure and function (SIFT, PolyPhen-2, Align-GVGD) all suggest that this variant is likely to be tolerated. In summary, the available evidence is currently insufficient to determine the role of this variant in disease. Therefore, it has been classified as a Variant of Uncertain Significance.